The following is an entry in ClinVar:

NM_138713.4(NFAT5):c.3162T>G (p.Ser1054Arg)

Gene: NFAT5 (nuclear factor of activated T cells 5; plus strand). Cytogenetic location: 16q22.1.
Variant type: single nucleotide variant.
Coding change: c.3162T>G on transcript NM_138713.4 (MANE Select); coding-DNA position 3162, T replaced by G.
Protein change: p.Ser1054Arg; replaces serine 1054 with arginine.
Molecular consequence: missense variant.
Genome position (GRCh38, 1-based): chr16:69,692,987, T>G. VCF-style: chr16-69692987-T-G. GRCh37 (hg19) VCF-style: chr16-69726890-T-G.
Other names: c.3159T>G, p.Ser1053Arg (NM_001113178.3); c.2487T>G, p.Ser829Arg (NM_001367709.1); c.3108T>G, p.Ser1036Arg (NM_006599.4); c.2880T>G, p.Ser960Arg (NM_138714.4, NM_173214.3, NM_173215.3); short protein forms S1036R, S829R, S1053R, S1054R, S960R.
Identifiers: ClinVar variation 2850370 (VCV002850370.3), dbSNP rs1567614729, ClinGen allele CA396512397.
Genomic context (GRCh38, chr16:69,692,987, plus strand): 5'-CAATCAACCTCAAGTTAACCTTTTTTCATCCACAAAAAGTATGATGAGTGTTCAGAATAG[T>G]GGTACCCAACAACAAGGTAATGGTTTATTCCAGCAAGGGAATGAGATGATGTCACTTCAA-3'
Protein context (NP_619727.2, residues 1044-1064): STKSMMSVQN[Ser1054Arg]GTQQQGNGLF

ClinVar aggregate classification (germline): Uncertain significance (1 of 4 stars; one submission).

Conditions:
Immunodeficiency. Identifiers: MedGen C0021051, MONDO:0021094, HP:0002721.

Submission:

Labcorp Genetics (formerly Invitae), Labcorp
Classification: Uncertain significance for Immunodeficiency. Last evaluated: 2024-10-05. Review status: criteria provided, single submitter. Criteria: Invitae Variant Classification Sherloc (09022015). Collection method: clinical testing. Allele origin: germline.
Comment: This sequence change replaces serine, which is neutral and polar, with arginine, which is basic and polar, at codon 960 of the NFAT5 protein (p.Ser960Arg). This variant is not present in population databases (gnomAD no frequency). This variant has not been reported in the literature in individuals affected with NFAT5-related conditions. An algorithm developed to predict the effect of missense changes on protein structure and function (PolyPhen-2) suggests that this variant is likely to be tolerated. In summary, the available evidence is currently insufficient to determine the role of this variant in disease. Therefore, it has been classified as a Variant of Uncertain Significance.